The following is an entry in ClinVar:

NM_006015.6(ARID1A):c.6612C>T (p.Ala2204=)

Gene: ARID1A (AT-rich interaction domain 1A; plus strand). Cytogenetic location: 1p36.11.
Variant type: single nucleotide variant.
Coding change: c.6612C>T on transcript NM_006015.6 (MANE Select); coding-DNA position 6612, C replaced by T.
Protein change: p.Ala2204=; no amino-acid change (alanine 2204 retained).
Molecular consequence: synonymous variant.
Genome position (GRCh38, 1-based): chr1:26,780,510, C>T. VCF-style: chr1-26780510-C-T. GRCh37 (hg19) VCF-style: chr1-27107001-C-T.
Other names: c.5961C>T, p.Ala1987= (NM_139135.4).
Identifiers: ClinVar variation 2690474 (VCV002690474.7), dbSNP rs752465350, ClinGen allele CA707858.

ClinVar aggregate classification (germline): Benign/Likely benign. Review status: criteria provided, multiple submitters, no conflicts (2 of 4 stars). 3 submissions from 3 submitters: Benign (1); Likely benign (1). 1 of the submissions does not count toward it. Last evaluated 2025-09-01.

Conditions:
Intellectual disability, autosomal dominant 14 (CSS2). Also called: COFFIN-SIRIS SYNDROME 2. Identifiers: Orphanet 1465, MedGen C3553247, MONDO:0013819, OMIM 614607.
ARID1A-related disorder. Also called: ARID1A-related condition.

Allele frequency attached by ClinVar (database versions not stated): ExAC 0.00001.
gnomAD v4.1: 25 of 1,614,072 alleles (0.0015%); highest among the groups gnomAD compares: South Asian, 0.0055%; no homozygotes.

Submissions (3):

Labcorp Genetics (formerly Invitae), Labcorp
Classification: Benign. Last evaluated: 2025-09-01. Review status: criteria provided, single submitter. Criteria: Invitae Variant Classification Sherloc (09022015). Collection method: clinical testing. Allele origin: germline.

Revvity Omics, Revvity
Classification: Likely benign for Intellectual disability, autosomal dominant 14. Last evaluated: 2023-10-20. Review status: criteria provided, single submitter. Criteria: ACMG Guidelines, 2015. Collection method: clinical testing. Allele origin: germline.

PreventionGenetics, part of Exact Sciences
Classification: Likely benign for ARID1A-related condition. Last evaluated: 2023-05-04. Review status: no assertion criteria provided. Collection method: clinical testing. Allele origin: germline. Not counted in ClinVar's aggregate classification.
Comment: This variant is classified as likely benign based on ACMG/AMP sequence variant interpretation guidelines (Richards et al. 2015 PMID: 25741868, with internal and published modifications).